The following is an entry in ClinVar:

NM_000782.5(CYP24A1):c.1084G>T (p.Glu362Ter)

Gene: CYP24A1 (cytochrome P450 family 24 subfamily A member 1; minus strand). Cytogenetic location: 20q13.2.
Variant type: single nucleotide variant.
Coding change: c.1084G>T on transcript NM_000782.5 (MANE Select); coding-DNA position 1084, G replaced by T.
Protein change: p.Glu362Ter; replaces glutamic acid 362 with a stop codon.
Molecular consequence: nonsense.
Genome position (GRCh38, 1-based): chr20:54,159,030, C>A on the plus strand (G>T on the coding strand, the complement: CYP24A1 is on the minus strand). VCF-style: chr20-54159030-C-A. GRCh37 (hg19) VCF-style: chr20-52775569-C-A.
Other names: c.1084G>T, p.Glu362Ter (NM_001128915.2, NM_001424340.1, NM_001424341.1 and 2 more transcripts); short protein forms E362*.
Identifiers: ClinVar variation 3623870 (VCV003623870.2).

ClinVar aggregate classification (germline): Pathogenic (1 of 4 stars; one submission).

gnomAD v4.1: 7 of 1,614,072 alleles (0.00043%); highest among the groups gnomAD compares: Admixed American, 0.0017%; no homozygotes.

Submission:

Labcorp Genetics (formerly Invitae), Labcorp
Classification: Pathogenic. Last evaluated: 2024-11-04. Review status: criteria provided, single submitter. Criteria: Invitae Variant Classification Sherloc (09022015). Collection method: clinical testing. Allele origin: germline.
Comment: This sequence change creates a premature translational stop signal (p.Glu362*) in the CYP24A1 gene. It is expected to result in an absent or disrupted protein product. Loss-of-function variants in CYP24A1 are known to be pathogenic (PMID: 21675912). This variant is present in population databases (no rsID available, gnomAD 0.003%). This variant has not been reported in the literature in individuals affected with CYP24A1-related conditions. Algorithms developed to predict the effect of sequence changes on RNA splicing suggest that this variant may disrupt the consensus splice site. For these reasons, this variant has been classified as Pathogenic.

Literature cited by the submitters: PubMed 21675912.